The following is an entry in ClinVar:

ClinVar aggregate classification (germline): Uncertain significance. Review status: criteria provided, multiple submitters, no conflicts (2 of 4 stars). 2 submissions from 2 submitters: Uncertain significance (2). Last evaluated 2026-02-11.

Conditions:
Ataxia-telangiectasia syndrome (AT). Also called: Ataxia-telangiectasia; LOUIS-BAR SYNDROME; Ataxia-telangiectasia, complementation group D; AT, COMPLEMENTATION GROUP C; ATAXIA-TELANGIECTASIA, COMPLEMENTATION GROUP A; ATAXIA-TELANGIECTASIA, FRESNO VARIANT. Identifiers: Orphanet 100, MedGen C0004135, MONDO:0008840, OMIM 208900.
Hereditary cancer-predisposing syndrome. Also called: Tumor predisposition; Neoplastic Syndromes, Hereditary; Hereditary Cancer Syndrome; Hereditary neoplastic syndrome. Identifiers: Orphanet 140162, MedGen C0027672, MeSH D009386, MONDO:0015356.

Submissions (2):

Ambry Genetics
Classification: Uncertain significance for Hereditary cancer-predisposing syndrome. Last evaluated: 2026-02-11. Review status: criteria provided, single submitter. Criteria: Ambry Variant Classification Scheme 2023. Collection method: clinical testing. Allele origin: germline.
Comment: The p.E2164D variant (also known as c.6492G>T), located in coding exon 44 of the ATM gene, results from a G to T substitution at nucleotide position 6492. The glutamic acid at codon 2164 is replaced by aspartic acid, an amino acid with highly similar properties. In an assay testing ATM function, this variant showed a functionally abnormal result (Lee KS et al. Cell, 2025 Sep;188:5081-5099.e27). This amino acid position is highly conserved in available vertebrate species. In addition, this alteration is predicted to be deleterious by in silico analysis. Based on the available evidence, the clinical significance of this variant remains unclear.

Labcorp Genetics (formerly Invitae), Labcorp
Classification: Uncertain significance for Ataxia-telangiectasia syndrome. Last evaluated: 2024-01-19. Review status: criteria provided, single submitter. Criteria: Invitae Variant Classification Sherloc (09022015). Collection method: clinical testing. Allele origin: germline.
Comment: This sequence change replaces glutamic acid, which is acidic and polar, with aspartic acid, which is acidic and polar, at codon 2164 of the ATM protein (p.Glu2164Asp). This variant is not present in population databases (gnomAD no frequency). This variant has not been reported in the literature in individuals affected with ATM-related conditions. ClinVar contains an entry for this variant (Variation ID: 1395303). An algorithm developed to predict the effect of missense changes on protein structure and function (PolyPhen-2) suggests that this variant is likely to be disruptive. In summary, the available evidence is currently insufficient to determine the role of this variant in disease. Therefore, it has been classified as a Variant of Uncertain Significance.

Literature cited by the submitters: PubMed 40580951 (cited by Ambry Genetics).

NM_000051.4(ATM):c.6492G>T (p.Glu2164Asp)

Genes: ATM (ATM serine/threonine kinase; plus strand), C11orf65 (chromosome 11 open reading frame 65; minus strand). Cytogenetic location: 11q22.3.
Variant type: single nucleotide variant.
Coding change: c.6492G>T on transcript NM_000051.4 (MANE Select); coding-DNA position 6492, G replaced by T.
Protein change: p.Glu2164Asp; replaces glutamic acid 2164 with aspartic acid.
Molecular consequence: missense variant. On other transcripts: intron variant (2).
Genome position (GRCh38, 1-based): chr11:108,321,340, G>T. VCF-style: chr11-108321340-G-T. GRCh37 (hg19) VCF-style: chr11-108192067-G-T.
Other names: c.6492G>T, p.Glu2164Asp (NM_001351834.2); c.641-12269C>A (NM_001330368.2); c.*39-12269C>A (NM_001351110.2); short protein forms E2164D.
Identifiers: ClinVar variation 1395303 (VCV001395303.9), dbSNP rs2136239707, ClinGen allele CA382554025.